The following is an entry in ClinVar:

NM_003128.3(SPTBN1):c.4489G>A (p.Glu1497Lys)

Gene: SPTBN1 (spectrin beta, non-erythrocytic 1; plus strand). Cytogenetic location: 2p16.2.
Variant type: single nucleotide variant.
Coding change: c.4489G>A on transcript NM_003128.3 (MANE Select); coding-DNA position 4489, G replaced by A.
Protein change: p.Glu1497Lys; replaces glutamic acid 1497 with lysine.
Molecular consequence: missense variant.
Genome position (GRCh38, 1-based): chr2:54,645,448, G>A. VCF-style: chr2-54645448-G-A. GRCh37 (hg19) VCF-style: chr2-54872585-G-A.
Other names: c.4450G>A, p.Glu1484Lys (NM_178313.3); short protein forms E1484K, E1497K.
Identifiers: ClinVar variation 4686934 (VCV004686934.1).

ClinVar aggregate classification (germline): Uncertain significance (1 of 4 stars; one submission).

gnomAD v4.1: 1 of 1,613,968 alleles (0.000062%); highest among the groups gnomAD compares: Non-Finnish European, 0.000085%; no homozygotes.

Submission:

GeneDx
Classification: Uncertain significance. Last evaluated: 2025-07-25. Review status: criteria provided, single submitter. Criteria: GeneDx Variant Classification Process June 2021. Collection method: clinical testing. Allele origin: germline. Affected: yes.
Comment: Not observed at significant frequency in large population cohorts (gnomAD); In silico analysis supports that this missense variant has a deleterious effect on protein structure/function; Has not been previously published as pathogenic or benign to our knowledge